The following is an entry in ClinVar:

NM_000141.5(FGFR2):c.*256G>A

Gene: FGFR2 (fibroblast growth factor receptor 2; minus strand). Cytogenetic location: 10q26.13.
Variant type: single nucleotide variant.
Coding change: c.*256G>A on transcript NM_000141.5 (MANE Select); 256 bases downstream of the stop codon, G replaced by A.
Molecular consequence: 3 prime UTR variant. On other transcripts: missense variant (1), non-coding transcript variant (1).
Genome position (GRCh38, 1-based): chr10:121,479,601, C>T on the plus strand (G>A on the coding strand, the complement: FGFR2 is on the minus strand). VCF-style: chr10-121479601-C-T. GRCh37 (hg19) VCF-style: chr10-123239115-C-T.
Other names: c.*256G>A (NM_001144914.1, NM_001144916.2, NM_001144917.2 and 5 more transcripts); c.2104G>A, p.Val702Ile (NM_001144915.2); short protein forms V702I.
Identifiers: ClinVar variation 880262 (VCV000880262.6), dbSNP rs763095219, ClinGen allele CA5720420.
Genomic context (GRCh38, chr10:121,479,601, plus strand): 5'-AAATTAACAAGGAAGGCAGAACGCACGTCCACCTTGAGTCCTACTGGTCCACAGCCAGTA[C>T]GCACGGCAGGTGAGAGGGGTTACATGGTGGCTTGTGGCAGTCCACTGCTCCAGAAACCTT-3'

ClinVar aggregate classification (germline): Uncertain significance. Review status: criteria provided, single submitter (1 of 4 stars). 6 submissions from 2 submitters: Uncertain significance (5). 1 of the submissions does not count toward it. Last evaluated 2018-01-13.

Conditions:
FGFR2-related disorder. Identifiers: MedGen CN380096.
Saethre-Chotzen syndrome (SCS). Also called: ACROCEPHALY, SKULL ASYMMETRY, AND MILD SYNDACTYLY; ACS III; CHOTZEN SYNDROME. Identifiers: Orphanet 794, MedGen C0175699, MONDO:0007042, OMIM 101400.
Isolated Coronal Synostosis. Identifiers: MedGen CN043619.
Beare-Stevenson cutis gyrata syndrome (BSTVS). Identifiers: Orphanet 1555, MedGen C1852406, MONDO:0007412, OMIM 123790.
Crouzon syndrome. Also called: Craniofacial dysostosis type 1; Crouzon craniofacial dysostosis; Crouzon disease; Craniofacial dysostosis; CRANIOFACIAL DYSOSTOSIS, TYPE I. Identifiers: Orphanet 207, MedGen C0010273, MeSH D003394, MONDO:0007405, OMIM 123500, HP:0004439.
Craniosynostosis syndrome. Also called: Craniosynostosis. Identifiers: Orphanet 1531, MedGen C0010278, MeSH D003398, MONDO:0015469, HP:0001363.

Allele frequency attached by ClinVar (database versions not stated): ExAC 0.00005.

Submissions (6):

Illumina Laboratory Services, Illumina
Classification: Uncertain significance for Beare-Stevenson cutis gyrata syndrome. Last evaluated: 2018-01-13. Review status: criteria provided, single submitter. Criteria: ICSL Variant Classification Criteria 13 December 2019. Collection method: clinical testing. Allele origin: germline.

Illumina Laboratory Services, Illumina
Classification: Uncertain significance for Craniosynostosis. Last evaluated: 2018-01-13. Review status: criteria provided, single submitter. Criteria: ICSL Variant Classification Criteria 13 December 2019. Collection method: clinical testing. Allele origin: germline.

Illumina Laboratory Services, Illumina
Classification: Uncertain significance for Isolated coronal synostosis. Last evaluated: 2018-01-13. Review status: criteria provided, single submitter. Criteria: ICSL Variant Classification Criteria 13 December 2019. Collection method: clinical testing. Allele origin: germline.

Illumina Laboratory Services, Illumina
Classification: Uncertain significance for Crouzon syndrome. Last evaluated: 2018-01-13. Review status: criteria provided, single submitter. Criteria: ICSL Variant Classification Criteria 13 December 2019. Collection method: clinical testing. Allele origin: germline.

Illumina Laboratory Services, Illumina
Classification: Uncertain significance for Saethre-Chotzen syndrome. Last evaluated: 2018-01-13. Review status: criteria provided, single submitter. Criteria: ICSL Variant Classification Criteria 13 December 2019. Collection method: clinical testing. Allele origin: germline.

PreventionGenetics, part of Exact Sciences
Classification: Uncertain significance for FGFR2-related condition. Last evaluated: 2024-01-11. Review status: no assertion criteria provided. Collection method: clinical testing. Allele origin: germline. Not counted in ClinVar's aggregate classification.
Comment: The FGFR2 c.2104G>A variant is predicted to result in the amino acid substitution p.Val702Ile. To our knowledge, this variant has not been reported in the literature. This variant is reported in 0.0044% of alleles in individuals of South Asian descent in gnomAD. At this time, the clinical significance of this variant is uncertain due to the absence of conclusive functional and genetic evidence.